The following is an entry in ClinVar:

ClinVar aggregate classification (germline): Uncertain significance (1 of 4 stars; one submission).

gnomAD v4.1: 3 of 1,593,170 alleles (0.00019%); highest among the groups gnomAD compares: African/African-American, 0.0027%; no homozygotes.

Submission:

GeneDx
Classification: Uncertain significance. Last evaluated: 2024-04-25. Review status: criteria provided, single submitter. Criteria: GeneDx Variant Classification Process June 2021. Collection method: clinical testing. Allele origin: germline. Affected: yes.
Comment: Not observed at significant frequency in large population cohorts (gnomAD); In silico analysis indicates that this missense variant does not alter protein structure/function; Has not been previously published as pathogenic or benign to our knowledge

NM_001379180.1(ESRRB):c.961G>A (p.Val321Met)

Gene: ESRRB (estrogen related receptor beta; plus strand). Cytogenetic location: 14q24.3.
Variant type: single nucleotide variant.
Coding change: c.961G>A on transcript NM_001379180.1 (MANE Select); coding-DNA position 961, G replaced by A.
Protein change: p.Val321Met; replaces valine 321 with methionine.
Molecular consequence: missense variant.
Genome position (GRCh38, 1-based): chr14:76,491,557, G>A. VCF-style: chr14-76491557-G-A. GRCh37 (hg19) VCF-style: chr14-76957900-G-A.
Other names: c.913G>A, p.Val305Met (NM_001411038.1); c.898G>A, p.Val300Met (NM_004452.4); short protein forms V300M, V305M, V321M.
Identifiers: ClinVar variation 3373000 (VCV003373000.1).